The following is an entry in ClinVar:

ClinVar aggregate classification (germline): Benign. Review status: criteria provided, multiple submitters, no conflicts (2 of 4 stars). 2 submissions from 2 submitters: Benign (2). Last evaluated 2018-01-13.

Conditions:
Interstitial lung disease due to ABCA3 deficiency. Also called: PULMONARY ALVEOLAR PROTEINOSIS, CONGENITAL, 3. Identifiers: Orphanet 440402, MedGen C1970456, MONDO:0012582, OMIM 610921.

Allele frequency attached by ClinVar (database versions not stated): gnomAD 0.07609 and 0.08190; 1000 Genomes Project 0.08127; 1000 Genomes Project 30x 0.08604; TOPMed 0.08660.

Submissions (2):

Illumina Laboratory Services, Illumina
Classification: Benign for Interstitial lung disease due to ABCA3 deficiency. Last evaluated: 2018-01-13. Review status: criteria provided, single submitter. Criteria: ICSL Variant Classification Criteria 13 December 2019. Collection method: clinical testing. Allele origin: germline.
Comment: This variant was observed in the ICSL laboratory as part of a predisposition screen in an ostensibly healthy population. It had not been previously curated by ICSL or reported in the Human Gene Mutation Database (HGMD: prior to June 1st, 2018), and was therefore a candidate for classification through an automated scoring system. Utilizing variant allele frequency, disease prevalence and penetrance estimates, and inheritance mode, an automated score was calculated to assess if this variant is too frequent to cause the disease. Based on the score and internal cut-off values, a variant classified as benign is not then subjected to further curation. The score for this variant resulted in a classification of benign for this disease.

Breakthrough Genomics
Classification: Benign. Review status: criteria provided, single submitter. Criteria: ACMG Guidelines, 2015. Collection method: not provided. Allele origin: germline. Inheritance: Autosomal recessive inheritance. Affected: yes.

NM_001089.3(ABCA3):c.-494C>T

Gene: ABCA3 (ATP binding cassette subfamily A member 3; minus strand). Cytogenetic location: 16p13.3.
Variant type: single nucleotide variant.
Coding change: c.-494C>T on transcript NM_001089.3 (MANE Select); 494 bases upstream of the start codon, C replaced by T.
Molecular consequence: 5 prime UTR variant.
Genome position (GRCh38, 1-based): chr16:2,329,810, G>A on the plus strand (C>T on the coding strand, the complement: ABCA3 is on the minus strand). VCF-style: chr16-2329810-G-A. GRCh37 (hg19) VCF-style: chr16-2379811-G-A.
Identifiers: ClinVar variation 318595 (VCV000318595.6), dbSNP rs4146825, ClinGen allele CA10643211.